The following is an entry in ClinVar:

NM_030662.4(MAP2K2):c.450+5G>A

Gene: MAP2K2 (mitogen-activated protein kinase kinase 2; minus strand). Cytogenetic location: 19p13.3.
Variant type: single nucleotide variant.
Coding change: c.450+5G>A on transcript NM_030662.4 (MANE Select); 5 bases into the intron after coding-DNA position 450, G replaced by A.
Molecular consequence: intron variant.
Genome position (GRCh38, 1-based): chr19:4,110,504, C>T on the plus strand (G>A on the coding strand, the complement: MAP2K2 is on the minus strand). VCF-style: chr19-4110504-C-T. GRCh37 (hg19) VCF-style: chr19-4110502-C-T.
Identifiers: ClinVar variation 2230673 (VCV002230673.5), dbSNP rs2145069500, ClinGen allele CA2576573292.

ClinVar aggregate classification (germline): Uncertain significance. Review status: criteria provided, multiple submitters, no conflicts (2 of 4 stars). 2 submissions from 2 submitters: Uncertain significance (2). Last evaluated 2023-10-19.

Conditions:
Cardiovascular phenotype. Identifiers: MedGen CN230736.
RASopathy. Also called: rasopathies; Noonan spectrum disorder. Identifiers: Orphanet 536391, MedGen C5555857, MONDO:0021060.

Allele frequency attached by ClinVar (database versions not stated): gnomAD exomes below 0.00001.

Submissions (2):

Labcorp Genetics (formerly Invitae), Labcorp
Classification: Uncertain significance for RASopathy. Last evaluated: 2023-10-19. Review status: criteria provided, single submitter. Criteria: Invitae Variant Classification Sherloc (09022015). Collection method: clinical testing. Allele origin: germline.
Comment: This sequence change falls in intron 3 of the MAP2K2 gene. It does not directly change the encoded amino acid sequence of the MAP2K2 protein. It affects a nucleotide within the consensus splice site. This variant is not present in population databases (gnomAD no frequency). This variant has not been reported in the literature in individuals affected with MAP2K2-related conditions. ClinVar contains an entry for this variant (Variation ID: 2230673). Variants that disrupt the consensus splice site are a relatively common cause of aberrant splicing (PMID: 17576681, 9536098). Algorithms developed to predict the effect of sequence changes on RNA splicing suggest that this variant may disrupt the consensus splice site. In summary, the available evidence is currently insufficient to determine the role of this variant in disease. Therefore, it has been classified as a Variant of Uncertain Significance.

Ambry Genetics
Classification: Uncertain significance for Cardiovascular phenotype. Last evaluated: 2021-06-04. Review status: criteria provided, single submitter. Criteria: Ambry Variant Classification Scheme 2023. Collection method: clinical testing. Allele origin: germline.
Comment: The c.450+5G>A intronic alteration consists of a G to A substitution nucleotides after coding exon 3 in the MAP2K2 gene. Based on insufficient or conflicting evidence, the clinical significance of this alteration remains unclear.

Literature cited by the submitters: PubMed 17576681 (cited by Labcorp Genetics (formerly Invitae), Labcorp); PubMed 9536098 (cited by Labcorp Genetics (formerly Invitae), Labcorp).